The following is an entry in ClinVar:

NM_003743.5(NCOA1):c.4212C>T (p.Gly1404=)

Gene: NCOA1 (nuclear receptor coactivator 1; plus strand). Cytogenetic location: 2p23.3.
Variant type: single nucleotide variant.
Coding change: c.4212C>T on transcript NM_003743.5 (MANE Select); coding-DNA position 4212, C replaced by T.
Protein change: p.Gly1404=; no amino-acid change (glycine 1404 retained).
Molecular consequence: synonymous variant. On other transcripts: 3 prime UTR variant (5).
Genome position (GRCh38, 1-based): chr2:24,768,277, C>T. VCF-style: chr2-24768277-C-T. GRCh37 (hg19) VCF-style: chr2-24991146-C-T.
Other names: c.*69C>T (NM_001362950.1, NM_001362952.1, NM_001362955.1 and 1 more transcripts); c.*66C>T (NM_001362954.1); c.4209C>T, p.Gly1403= (NM_147233.2).
Identifiers: ClinVar variation 4981867 (VCV004981867.1).

ClinVar aggregate classification (germline): Likely benign (1 of 4 stars; one submission).

Conditions:
NCOA1-related disorder. Also called: NCOA1-related condition.

gnomAD v4.1: 8 of 1,613,530 alleles (0.0005%); highest among the groups gnomAD compares: Admixed American, 0.0067%; no homozygotes.

Submission:

PreventionGenetics, part of Exact Sciences
Classification: Likely benign for NCOA1-related condition. Last evaluated: 2024-10-06. Review status: criteria provided, single submitter. Criteria: ACMG Guidelines, 2015. Collection method: clinical testing. Allele origin: germline.
Comment: This variant is classified as likely benign based on ACMG/AMP sequence variant interpretation guidelines (Richards et al. 2015 PMID: 25741868, with internal and published modifications).